The following is an entry in ClinVar:

ClinVar aggregate classification (germline): Pathogenic/Likely pathogenic. Review status: criteria provided, multiple submitters, no conflicts (2 of 4 stars). 3 submissions from 3 submitters: Pathogenic (2); Likely pathogenic (1). Last evaluated 2023-10-23.

Conditions:
Houge-Janssens syndrome 2. Also called: PPP2R1A-Related Neurodevelopmental Disorder; INTELLECTUAL DEVELOPMENTAL DISORDER, AUTOSOMAL DOMINANT 36; Microcephaly-corpus callosum hypoplasia-intellectual disability-facial dysmorphism syndrome. Identifiers: Orphanet 457284, MedGen C4225352, MONDO:0014605, OMIM 616362.
PPP2R1A-related disorder.

Submissions (3):

3billion
Classification: Likely pathogenic for Houge-Janssens syndrome 2. Last evaluated: 2023-10-23. Review status: criteria provided, single submitter. Criteria: ACMG Guidelines, 2015. Collection method: clinical testing. Allele origin: germline. Affected: yes.
Comment: The variant is not observed in the gnomAD v2.1.1 dataset. Predicted Consequence/Location: Missense changes are a common disease-causing mechanism. In silico tool predictions suggest damaging effect of the variant on gene or gene product [3Cnet: 0.95 (>=0.6, sensitivity 0.72 and precision 0.9)]. Same nucleotide change resulting in same amino acid change has been previously reported to be associated with PPP2R1A-related disorder (ClinVar ID: VCV000684494). Different missense changes at the same codon (p.Met180Arg, p.Met180Lys, p.Met180Val) have been reported as pathogenic/likely pathogenic with strong evidence (ClinVar ID: VCV001098340, VCV001204633 /PMID: 33106617). Therefore, this variant is classified as Likely pathogenic according to the recommendation of ACMG/AMP guideline.

Labcorp Genetics (formerly Invitae), Labcorp
Classification: Pathogenic. Last evaluated: 2023-03-26. Review status: criteria provided, single submitter. Criteria: Invitae Variant Classification Sherloc (09022015). Collection method: clinical testing. Allele origin: germline.
Comment: For these reasons, this variant has been classified as Pathogenic. This variant disrupts the p.Met180 amino acid residue in PPP2R1A. Other variant(s) that disrupt this residue have been determined to be pathogenic (PMID: 33106617; Invitae). This suggests that this residue is clinically significant, and that variants that disrupt this residue are likely to be disease-causing. Experimental studies have shown that this missense change affects PPP2R1A function (PMID: 33106617). Advanced modeling of protein sequence and biophysical properties (such as structural, functional, and spatial information, amino acid conservation, physicochemical variation, residue mobility, and thermodynamic stability) performed at Invitae indicates that this missense variant is expected to disrupt PPP2R1A protein function. ClinVar contains an entry for this variant (Variation ID: 684494). This missense change has been observed in individual(s) with clinical features of PPP2R1A-related conditions (PMID: 31785789, 33106617). In at least one individual the variant was observed to be de novo. This variant is not present in population databases (gnomAD no frequency). This sequence change replaces methionine, which is neutral and non-polar, with threonine, which is neutral and polar, at codon 180 of the PPP2R1A protein (p.Met180Thr).

Center for Molecular Medicine, Children’s Hospital of Fudan University
Classification: Pathogenic for Houge-Janssens syndrome 2. Last evaluated: 2023-01-18. Review status: criteria provided, single submitter. Criteria: ACMG Guidelines 2015. Collection method: clinical testing. Allele origin: de novo. Affected: yes.

Literature cited by the submitters: PubMed 33106617 (cited by 3billion and Labcorp Genetics (formerly Invitae), Labcorp); PubMed 31785789 (cited by Labcorp Genetics (formerly Invitae), Labcorp).

NM_014225.6(PPP2R1A):c.539T>C (p.Met180Thr)

Gene: PPP2R1A (protein phosphatase 2 scaffold subunit Aalpha; plus strand). Cytogenetic location: 19q13.41.
Variant type: single nucleotide variant.
Coding change: c.539T>C on transcript NM_014225.6 (MANE Select); coding-DNA position 539, T replaced by C.
Protein change: p.Met180Thr; replaces methionine 180 with threonine.
Molecular consequence: missense variant. On other transcripts: initiator codon variant (1), non-coding transcript variant (1).
Genome position (GRCh38, 1-based): chr19:52,212,721, T>C. VCF-style: chr19-52212721-T-C. GRCh37 (hg19) VCF-style: chr19-52715974-T-C.
Other names: c.2T>C, p.Met1Thr (NM_001363656.2); short protein forms M180T, M1T.
Identifiers: ClinVar variation 684494 (VCV000684494.7), dbSNP rs1600167941, ClinGen allele CA407183530.